The following is an entry in ClinVar:

ClinVar aggregate classification (germline): Uncertain significance. Review status: criteria provided, multiple submitters, no conflicts (2 of 4 stars). 3 submissions from 3 submitters: Uncertain significance (3). Last evaluated 2025-09-25.

Conditions:
Short-rib thoracic dysplasia 10 with or without polydactyly (SRTD10). Identifiers: Orphanet 474, MedGen C3810175, MONDO:0014284, OMIM 615630.
Bardet-Biedl syndrome 20. Identifiers: MedGen C4310707, MONDO:0023670, OMIM 619471, MONDO:0014926.
Retinitis pigmentosa 71 (RP71). Identifiers: Orphanet 791, MedGen C4225342, MONDO:0014618, OMIM 616394.
IFT172-related disorder. Also called: IFT172-related disorders; IFT172-related condition.

Allele frequency attached by ClinVar (database versions not stated): gnomAD exomes 0.00001; ExAC 0.00002; TOPMed 0.00003; gnomAD 0.00007 and 0.00008; ESP Exome Variant Server 0.00008.
gnomAD v4.1: 21 of 1,614,000 alleles (0.0013%); highest among the groups gnomAD compares: African/African-American, 0.012%; no homozygotes.

Submissions (3):

PreventionGenetics, part of Exact Sciences
Classification: Uncertain significance for IFT172-related condition. Last evaluated: 2025-09-25. Review status: criteria provided, single submitter. Criteria: ACMG Guidelines, 2015. Collection method: clinical testing. Allele origin: germline.
Comment: The IFT172 c.1829G>A variant is predicted to result in the amino acid substitution p.Arg610Gln. This variant occurs at the last nucleotide position of exon 17 and is predicted to alter splicing based on a splicing prediction program (SpliceAI, Jaganathan K, et al. 2019. PubMed ID: 30661751). To our knowledge, this variant has not been reported in the literature. This variant is reported in 0.016% of alleles in individuals of African descent in gnomAD. At this time, the clinical significance of this variant is uncertain due to the absence of conclusive functional and genetic evidence.

Labcorp Genetics (formerly Invitae), Labcorp
Classification: Uncertain significance for Retinitis pigmentosa 71; Short-rib thoracic dysplasia 10 with or without polydactyly. Last evaluated: 2022-10-24. Review status: criteria provided, single submitter. Criteria: Invitae Variant Classification Sherloc (09022015). Collection method: clinical testing. Allele origin: germline.
Comment: This sequence change replaces arginine, which is basic and polar, with glutamine, which is neutral and polar, at codon 610 of the IFT172 protein (p.Arg610Gln). This variant also falls at the last nucleotide of exon 17, which is part of the consensus splice site for this exon. This variant is present in population databases (rs144890293, gnomAD 0.01%). This variant has not been reported in the literature in individuals affected with IFT172-related conditions. ClinVar contains an entry for this variant (Variation ID: 956199). Algorithms developed to predict the effect of missense changes on protein structure and function are either unavailable or do not agree on the potential impact of this missense change (SIFT: "Deleterious"; PolyPhen-2: "Probably Damaging"; Align-GVGD: "Class C0"). Variants that disrupt the consensus splice site are a relatively common cause of aberrant splicing (PMID: 17576681, 9536098). Algorithms developed to predict the effect of sequence changes on RNA splicing suggest that this variant may disrupt the consensus splice site. In summary, the available evidence is currently insufficient to determine the role of this variant in disease. Therefore, it has been classified as a Variant of Uncertain Significance.

Fulgent Genetics
Classification: Uncertain significance for Short-rib thoracic dysplasia 10 with or without polydactyly; Retinitis pigmentosa 71; Bardet-Biedl syndrome 20. Last evaluated: 2021-12-14. Review status: criteria provided, single submitter. Criteria: ACMG Guidelines, 2015. Collection method: clinical testing. Allele origin: unknown.

Literature cited by the submitters: PubMed 17576681 (cited by Labcorp Genetics (formerly Invitae), Labcorp); PubMed 9536098 (cited by Labcorp Genetics (formerly Invitae), Labcorp).

NM_015662.3(IFT172):c.1829G>A (p.Arg610Gln)

Gene: IFT172 (intraflagellar transport 172; minus strand). Cytogenetic location: 2p23.3.
Variant type: single nucleotide variant.
Coding change: c.1829G>A on transcript NM_015662.3 (MANE Select); coding-DNA position 1829, G replaced by A.
Protein change: p.Arg610Gln; replaces arginine 610 with glutamine.
Molecular consequence: missense variant.
Genome position (GRCh38, 1-based): chr2:27,465,746, C>T on the plus strand (G>A on the coding strand, the complement: IFT172 is on the minus strand). VCF-style: chr2-27465746-C-T. GRCh37 (hg19) VCF-style: chr2-27688613-C-T.
Other names: short protein forms R610Q.
Identifiers: ClinVar variation 956199 (VCV000956199.8), dbSNP rs144890293, ClinGen allele CA1580527.